The following is an entry in ClinVar:

ClinVar aggregate classification (germline): Uncertain significance (1 of 4 stars; one submission).

gnomAD v4.1: 5 of 1,613,558 alleles (0.00031%); highest among the groups gnomAD compares: East Asian, 0.0067%; no homozygotes.

Submission:

Labcorp Genetics (formerly Invitae), Labcorp
Classification: Uncertain significance. Last evaluated: 2023-04-17. Review status: criteria provided, single submitter. Criteria: Invitae Variant Classification Sherloc (09022015). Collection method: clinical testing. Allele origin: germline.
Comment: This variant is not present in population databases (gnomAD no frequency). This sequence change replaces threonine, which is neutral and polar, with isoleucine, which is neutral and non-polar, at codon 1877 of the RAI1 protein (p.Thr1877Ile). This variant has not been reported in the literature in individuals affected with RAI1-related conditions. Advanced modeling of protein sequence and biophysical properties (such as structural, functional, and spatial information, amino acid conservation, physicochemical variation, residue mobility, and thermodynamic stability) performed at Invitae indicates that this missense variant is not expected to disrupt RAI1 protein function. In summary, the available evidence is currently insufficient to determine the role of this variant in disease. Therefore, it has been classified as a Variant of Uncertain Significance.

NM_030665.4(RAI1):c.5630C>T (p.Thr1877Ile)

Gene: RAI1 (retinoic acid induced 1; plus strand). Cytogenetic location: 17p11.2.
Variant type: single nucleotide variant.
Coding change: c.5630C>T on transcript NM_030665.4 (MANE Select); coding-DNA position 5630, C replaced by T.
Protein change: p.Thr1877Ile; replaces threonine 1877 with isoleucine.
Molecular consequence: missense variant.
Genome position (GRCh38, 1-based): chr17:17,803,820, C>T. VCF-style: chr17-17803820-C-T. GRCh37 (hg19) VCF-style: chr17-17707134-C-T.
Other names: short protein forms T1877I.
Identifiers: ClinVar variation 2857110 (VCV002857110.3), dbSNP rs2543642984, ClinGen allele CA398559965.